The following is an entry in ClinVar:

ClinVar aggregate classification (germline): Likely benign (1 of 4 stars; one submission).

Submission:

CeGaT Center for Human Genetics Tuebingen
Classification: Likely benign. Last evaluated: 2025-12-01. Review status: criteria provided, single submitter. Criteria: CeGaT Center For Human Genetics Tuebingen Variant Classification Criteria Version 2. Collection method: clinical testing. Allele origin: germline. Affected: yes. Observed: 1 variant allele.
Comment: PRB1: PM2:Supporting, BP4, BP7

NR_160307.2(PRB1):n.764A>G

Gene: PRB1 (proline rich protein BstNI subfamily 1; minus strand). Cytogenetic location: 12p13.2.
Variant type: single nucleotide variant.
Molecular consequence: non-coding transcript variant (on NR_160307.2).
Genome position: GRCh38 VCF-style: chr12-11353377-T-C. GRCh37 (hg19) VCF-style: chr12-11506311-T-C.
Identifiers: ClinVar variation 4681688 (VCV004681688.5).